The following is an entry in ClinVar:

ClinVar aggregate classification (germline): Conflicting classifications of pathogenicity. Review status: criteria provided, conflicting classifications (1 of 4 stars). 3 submissions from 3 submitters: Uncertain significance (1); Likely benign (2). Last evaluated 2025-06-20.

Conditions:
Inborn genetic diseases. Identifiers: MedGen C0950123, MeSH D030342.
Primary pulmonary hypertension. Also called: Idiopathic pulmonary hypertension. Identifiers: MedGen C0152171.

Allele frequency attached by ClinVar (database versions not stated): gnomAD 0.00003; gnomAD exomes 0.00003; ExAC 0.00007; TOPMed 0.00007.
gnomAD v4.1: 55 of 1,614,126 alleles (0.0034%); highest among the groups gnomAD compares: Non-Finnish European, 0.0042%; no homozygotes.

Submissions (4):

Labcorp Genetics (formerly Invitae), Labcorp
Classification: Likely benign for Primary pulmonary hypertension. Last evaluated: 2025-06-20. Review status: criteria provided, single submitter. Criteria: Invitae Variant Classification Sherloc (09022015). Collection method: clinical testing. Allele origin: germline.

Ambry Genetics
Classification: Uncertain significance for Inborn genetic diseases. Last evaluated: 2024-09-08. Review status: criteria provided, single submitter. Criteria: Ambry Variant Classification Scheme 2023. Collection method: clinical testing. Allele origin: germline.
Comment: The p.R10Q variant (also known as c.29G>A), located in coding exon 1 of the BMPR2 gene, results from a G to A substitution at nucleotide position 29. The arginine at codon 10 is replaced by glutamine, an amino acid with highly similar properties. This amino acid position is conserved. In addition, this alteration is predicted to be tolerated by in silico analysis. Based on the available evidence, the clinical significance of this variant remains unclear.

Blueprint Genetics
Classification: Likely benign. Last evaluated: 2024-03-15. Review status: criteria provided, single submitter. Criteria: ACMG Guidelines, 2015. Collection method: clinical testing. Allele origin: germline.

Dr. Peter K. Rogan Lab, Western University
No classification provided (evidence only). Condition: Acute myeloid leukemia. Review status: no classification provided. Collection method: in vitro. Allele origin: not applicable. Functional consequence: retained intron. Not counted in ClinVar's aggregate classification.

NM_001204.7(BMPR2):c.29G>A (p.Arg10Gln)

Gene: BMPR2 (bone morphogenetic protein receptor type 2; plus strand). Cytogenetic location: 2q33.1.
Variant type: single nucleotide variant.
Coding change: c.29G>A on transcript NM_001204.7 (MANE Select); coding-DNA position 29, G replaced by A.
Protein change: p.Arg10Gln; replaces arginine 10 with glutamine.
Molecular consequence: missense variant.
Genome position (GRCh38, 1-based): chr2:202,377,503, G>A. VCF-style: chr2-202377503-G-A. GRCh37 (hg19) VCF-style: chr2-203242226-G-A.
Other names: short protein forms R10Q.
Identifiers: ClinVar variation 2726190 (VCV002726190.7), dbSNP rs761823322, ClinGen allele CA2060998.